The following is an entry in ClinVar:

NM_001909.5(CTSD):c.-32C>T

Genes: CTSD (cathepsin D; minus strand), LOC130005119 (ATAC-STARR-seq lymphoblastoid silent region 3058; plus strand). Cytogenetic location: 11p15.5.
Variant type: single nucleotide variant.
Coding change: c.-32C>T on transcript NM_001909.5 (MANE Select); 32 bases upstream of the start codon, C replaced by T.
Molecular consequence: 5 prime UTR variant.
Genome position (GRCh38, 1-based): chr11:1,763,891, G>A on the plus strand (C>T on the coding strand, the complement: CTSD is on the minus strand). VCF-style: chr11-1763891-G-A. GRCh37 (hg19) VCF-style: chr11-1785121-G-A.
Identifiers: ClinVar variation 390537 (VCV000390537.1), dbSNP rs1057523809, ClinGen allele CA16606284.

ClinVar aggregate classification (germline): Likely benign (1 of 4 stars; one submission).

Allele frequency attached by ClinVar (database versions not stated): gnomAD 0.00001; TOPMed 0.00001; 1000 Genomes Project 30x 0.00016.
gnomAD v4.1: 2 of 1,513,788 alleles (0.00013%); highest among the groups gnomAD compares: East Asian, 0.0026%; no homozygotes.

Submission:

GeneDx
Classification: Likely benign. Last evaluated: 2016-11-02. Review status: criteria provided, single submitter. Criteria: GeneDx Variant Classification (06012015). Collection method: clinical testing. Allele origin: germline. Affected: yes.
Comment: This variant is considered likely benign or benign based on one or more of the following criteria: it is a conservative change, it occurs at a poorly conserved position in the protein, it is predicted to be benign by multiple in silico algorithms, and/or has population frequency not consistent with disease.